The following is an entry in ClinVar:

ClinVar aggregate classification (germline): Conflicting classifications of pathogenicity. Review status: criteria provided, conflicting classifications (1 of 4 stars). 4 submissions from 4 submitters: Uncertain significance (3); Likely benign (1). Last evaluated 2026-06-30.

Conditions:
History of neurodevelopmental disorder. Identifiers: MedGen C2711754.
Hereditary spastic paraplegia 30. Identifiers: Orphanet 101010, MedGen C5235139, MONDO:0012476.
Neuropathy, hereditary sensory, type 2C. Also called: Hereditary sensory and autonomic neuropathy type IIC; KIF1A-Related HSAN2 (HSAN2C). Identifiers: Orphanet 970, MedGen C3280168, MONDO:0013634, OMIM 614213.
Intellectual disability, autosomal dominant 9 (NESCAVS). Also called: NESCAV SYNDROME; KIF1A-Related Neurodevelopmental Disorder. Identifiers: Orphanet 662367, MedGen C5393830, MONDO:0013656, OMIM 614255.

Allele frequency attached by ClinVar (database versions not stated): TOPMed 0.00004; ExAC 0.00007; gnomAD 0.00003 and 0.00004.
gnomAD v4.1: 82 of 1,613,414 alleles (0.0051%); highest among the groups gnomAD compares: Non-Finnish European, 0.0066%; no homozygotes.

Submissions (4):

GeneDx
Classification: Uncertain significance. Last evaluated: 2026-06-30. Review status: criteria provided, single submitter. Criteria: GeneDx Variant Classification Process June 2021. Collection method: clinical testing. Allele origin: germline.
Comment: In silico analysis suggests that this missense variant does not alter protein structure/function; Has not been previously published as pathogenic or benign to our knowledge

Labcorp Genetics (formerly Invitae), Labcorp
Classification: Likely benign for Hereditary spastic paraplegia 30; Neuropathy, hereditary sensory, type 2C; Intellectual disability, autosomal dominant 9. Last evaluated: 2026-01-26. Review status: criteria provided, single submitter. Criteria: Invitae Variant Classification Sherloc (09022015). Collection method: clinical testing. Allele origin: germline.

Revvity Omics, Revvity
Classification: Uncertain significance. Last evaluated: 2021-09-16. Review status: criteria provided, single submitter. Criteria: ACMG Guidelines, 2015. Collection method: clinical testing. Allele origin: germline.

Ambry Genetics
Classification: Uncertain significance for History of neurodevelopmental disorder. Last evaluated: 2016-11-16. Review status: criteria provided, single submitter. Criteria: Ambry Autosomal Dominant and X-Linked criteria (10/2015). Collection method: clinical testing. Allele origin: germline. Observed: 1 variant allele.
Comment: The p.S1062T variant (also known as c.3184T>A), located in coding exon 30 of the KIF1A gene, results from a T to A substitution at nucleotide position 3184. The serine at codon 1062 is replaced by threonine, an amino acid with similar properties. This amino acid position is highly conserved in available vertebrate species. In addition, this alteration is predicted to be tolerated by in silico analysis. Since supporting evidence is limited at this time, the clinical significance of this alteration remains unclear.

NM_001244008.2(KIF1A):c.3487T>A (p.Ser1163Thr)

Gene: KIF1A (kinesin family member 1A; minus strand). Cytogenetic location: 2q37.3.
Variant type: single nucleotide variant.
Coding change: c.3487T>A on transcript NM_001244008.2 (MANE Select); coding-DNA position 3487, T replaced by A.
Protein change: p.Ser1163Thr; replaces serine 1163 with threonine.
Molecular consequence: missense variant.
Genome position (GRCh38, 1-based): chr2:240,744,039, A>T on the plus strand (T>A on the coding strand, the complement: KIF1A is on the minus strand). VCF-style: chr2-240744039-A-T. GRCh37 (hg19) VCF-style: chr2-241683456-A-T.
Other names: c.3184T>A (NM_004321.7); c.3211T>A, p.Ser1071Thr (NM_001320705.2, NM_001330289.2, NM_001379638.1); c.3286T>A, p.Ser1096Thr (NM_001330290.2, NM_001379634.1, NM_001379635.1 and 1 more transcripts); c.3562T>A, p.Ser1188Thr (NM_001379631.1); c.3436T>A, p.Ser1146Thr (NM_001379632.1); c.3460T>A, p.Ser1154Thr (NM_001379633.1, NM_001379642.1, NM_001379645.1); c.3184T>A, p.Ser1062Thr (NM_001379636.1, NM_001379639.1, NM_001379641.1 and 5 more transcripts); c.3259T>A, p.Ser1087Thr (NM_001379637.1, NM_001379648.1); and 1 more; short protein forms S1062T, S1163T, S1071T, S1096T, S1061T, S1087T, S1146T, S1154T.
Identifiers: ClinVar variation 464226 (VCV000464226.18), dbSNP rs527346259, ClinGen allele CA2207782.